The following is an entry in ClinVar:

ClinVar aggregate classification (germline): Uncertain significance (1 of 4 stars; one submission).

Allele frequency attached by ClinVar (database versions not stated): gnomAD exomes below 0.00001.
gnomAD v4.1: 2 of 1,595,456 alleles (0.00013%); highest among the groups gnomAD compares: Non-Finnish European, 0.00017%; no homozygotes.

Submission:

Labcorp Genetics (formerly Invitae), Labcorp
Classification: Uncertain significance. Last evaluated: 2023-11-14. Review status: criteria provided, single submitter. Criteria: Invitae Variant Classification Sherloc (09022015). Collection method: clinical testing. Allele origin: germline.
Comment: This sequence change replaces isoleucine, which is neutral and non-polar, with methionine, which is neutral and non-polar, at codon 211 of the POC5 protein (p.Ile211Met). This variant is not present in population databases (gnomAD no frequency). This variant has not been reported in the literature in individuals affected with POC5-related conditions. An algorithm developed to predict the effect of missense changes on protein structure and function (PolyPhen-2) suggests that this variant is likely to be disruptive. In summary, the available evidence is currently insufficient to determine the role of this variant in disease. Therefore, it has been classified as a Variant of Uncertain Significance.

NM_001099271.2(POC5):c.633C>G (p.Ile211Met)

Gene: POC5 (POC5 centriolar protein; minus strand). Cytogenetic location: 5q13.3.
Variant type: single nucleotide variant.
Coding change: c.633C>G on transcript NM_001099271.2 (MANE Select); coding-DNA position 633, C replaced by G.
Protein change: p.Ile211Met; replaces isoleucine 211 with methionine.
Molecular consequence: missense variant.
Genome position (GRCh38, 1-based): chr5:75,694,712, G>C on the plus strand (C>G on the coding strand, the complement: POC5 is on the minus strand). VCF-style: chr5-75694712-G-C. GRCh37 (hg19) VCF-style: chr5-74990537-G-C.
Other names: c.558C>G, p.Ile186Met (NM_152408.3); short protein forms I211M, I186M.
Identifiers: ClinVar variation 2770329 (VCV002770329.3), dbSNP rs2478856177, ClinGen allele CA360148021.